The following is an entry in ClinVar:

NM_152309.3(PIK3AP1):c.2387C>G (p.Pro796Arg)

Gene: PIK3AP1 (phosphoinositide-3-kinase adaptor protein 1; minus strand). Cytogenetic location: 10q24.1.
Variant type: single nucleotide variant.
Coding change: c.2387C>G on transcript NM_152309.3 (MANE Select); coding-DNA position 2387, C replaced by G.
Protein change: p.Pro796Arg; replaces proline 796 with arginine.
Molecular consequence: missense variant.
Genome position (GRCh38, 1-based): chr10:96,595,608, G>C on the plus strand (C>G on the coding strand, the complement: PIK3AP1 is on the minus strand). VCF-style: chr10-96595608-G-C. GRCh37 (hg19) VCF-style: chr10-98355365-G-C.
Other names: short protein forms P796R.
Identifiers: ClinVar variation 1465817 (VCV001465817.8), dbSNP rs746172807, ClinGen allele CA377747042.

ClinVar aggregate classification (germline): Uncertain significance (1 of 4 stars; one submission).

Conditions:
Infantile spasms. Also called: Infantile spasm. Identifiers: MedGen C3887898, HP:0012469.

Allele frequency attached by ClinVar (database versions not stated): gnomAD 0.00003.
gnomAD v4.1: 35 of 1,613,206 alleles (0.0022%); highest among the groups gnomAD compares: Non-Finnish European, 0.0026%; no homozygotes.

Submission:

Labcorp Genetics (formerly Invitae), Labcorp
Classification: Uncertain significance for Infantile spasms. Last evaluated: 2025-12-08. Review status: criteria provided, single submitter. Criteria: Invitae Variant Classification Sherloc (09022015). Collection method: clinical testing. Allele origin: germline.
Comment: This sequence change replaces proline, which is neutral and non-polar, with arginine, which is basic and polar, at codon 796 of the PIK3AP1 protein (p.Pro796Arg). This variant is present in population databases (no rsID available, gnomAD 0.003%). This variant has not been reported in the literature in individuals affected with PIK3AP1-related conditions. ClinVar contains an entry for this variant (Variation ID: 1465817). An algorithm developed to predict the effect of missense changes on protein structure and function (PolyPhen-2) suggests that this variant is likely to be disruptive. In summary, the available evidence is currently insufficient to determine the role of this variant in disease. Therefore, it has been classified as a Variant of Uncertain Significance.